The following is an entry in ClinVar:

ClinVar aggregate classification (germline): Uncertain significance (1 of 4 stars; one submission).

Conditions:
Cardiovascular phenotype. Identifiers: MedGen CN230736.

Allele frequency attached by ClinVar (database versions not stated): TOPMed below 0.00001; gnomAD 0.00001.
gnomAD v4.1: 3 of 1,613,000 alleles (0.00019%); highest among the groups gnomAD compares: Non-Finnish European, 0.00025%; no homozygotes.

Submission:

Ambry Genetics
Classification: Uncertain significance for Cardiovascular phenotype. Last evaluated: 2022-03-14. Review status: criteria provided, single submitter. Criteria: Ambry Variant Classification Scheme 2023. Collection method: clinical testing. Allele origin: germline.
Comment: The p.T531S variant (also known as c.1592C>G), located in coding exon 10 of the ABCC9 gene, results from a C to G substitution at nucleotide position 1592. The threonine at codon 531 is replaced by serine, an amino acid with similar properties. This amino acid position is well conserved in available vertebrate species. In addition, this alteration is predicted to be tolerated by in silico analysis. Since supporting evidence is limited at this time, the clinical significance of this alteration remains unclear.

NM_020297.4(ABCC9):c.1592C>G (p.Thr531Ser)

Gene: ABCC9 (ATP binding cassette subfamily C member 9; minus strand). Cytogenetic location: 12p12.1.
Variant type: single nucleotide variant.
Coding change: c.1592C>G on transcript NM_020297.4 (MANE Select); coding-DNA position 1592, C replaced by G.
Protein change: p.Thr531Ser; replaces threonine 531 with serine.
Molecular consequence: missense variant.
Genome position (GRCh38, 1-based): chr12:21,906,152, G>C on the plus strand (C>G on the coding strand, the complement: ABCC9 is on the minus strand). VCF-style: chr12-21906152-G-C. GRCh37 (hg19) VCF-style: chr12-22059086-G-C.
Other names: c.1592C>G, p.Thr531Ser (NM_001377273.1, NM_005691.4); c.728C>G, p.Thr243Ser (NM_001377274.1); short protein forms T243S, T531S.
Identifiers: ClinVar variation 1775942 (VCV001775942.2), dbSNP rs1054446244, ClinGen allele CA233633317.